The following is an entry in ClinVar:

NM_024675.4(PALB2):c.995T>C (p.Leu332Pro)

Gene: PALB2 (partner and localizer of BRCA2; minus strand). Cytogenetic location: 16p12.2.
Variant type: single nucleotide variant.
Coding change: c.995T>C on transcript NM_024675.4 (MANE Select); coding-DNA position 995, T replaced by C.
Protein change: p.Leu332Pro; replaces leucine 332 with proline.
Molecular consequence: missense variant.
Genome position (GRCh38, 1-based): chr16:23,635,551, A>G on the plus strand (T>C on the coding strand, the complement: PALB2 is on the minus strand). VCF-style: chr16-23635551-A-G. GRCh37 (hg19) VCF-style: chr16-23646872-A-G.
Other names: short protein forms L332P.
Identifiers: ClinVar variation 461037 (VCV000461037.24), dbSNP rs377149139, ClinGen allele CA7963739.
Genomic context (GRCh38, chr16:23,635,551, plus strand): 5'-TCTGTTTGATTTTGTTCTTTTAAGTTTTGGTTTTCATTTGCTGGTAAGTTATTGTAGGTG[A>G]GTTCATTTAGAGAACATGAAATATTTGCCTCTAAATTAGAACTTGTGGGCAGTTGGCCAC-3'
Protein context (NP_078951.2, residues 322-342): EANISCSLNE[Leu332Pro]TYNNLPANEN

ClinVar aggregate classification (germline): Uncertain significance. Review status: criteria provided, multiple submitters, no conflicts (2 of 4 stars). 4 submissions from 4 submitters: Uncertain significance (4). Last evaluated 2026-01-19.

Conditions:
Familial cancer of breast. Also called: BREAST CANCER, FAMILIAL; Hereditary breast cancer; hereditary breast carcinoma. Identifiers: Orphanet 227535, MedGen C0346153, MONDO:0016419, OMIM 114480. Disease mechanism: loss of function.
Hereditary cancer-predisposing syndrome. Also called: Neoplastic Syndromes, Hereditary; Hereditary Cancer Syndrome; Hereditary neoplastic syndrome; Tumor predisposition. Identifiers: Orphanet 140162, MedGen C0027672, MeSH D009386, MONDO:0015356.

gnomAD v4.1: 5 of 1,613,086 alleles (0.00031%); highest among the groups gnomAD compares: Admixed American, 0.0067%; no homozygotes.

Submissions (4):

Labcorp Genetics (formerly Invitae), Labcorp
Classification: Uncertain significance for Familial cancer of breast. Last evaluated: 2026-01-19. Review status: criteria provided, single submitter. Criteria: Invitae Variant Classification Sherloc (09022015). Collection method: clinical testing. Allele origin: germline.
Comment: This sequence change replaces leucine, which is neutral and non-polar, with proline, which is neutral and non-polar, at codon 332 of the PALB2 protein (p.Leu332Pro). This variant is present in population databases (rs377149139, gnomAD 0.01%). This missense change has been observed in individual(s) with PALB2-related cancer (PMID: 38061684). ClinVar contains an entry for this variant (Variation ID: 461037). Invitae Evidence Modeling of protein sequence and biophysical properties (such as structural, functional, and spatial information, amino acid conservation, physicochemical variation, residue mobility, and thermodynamic stability) indicates that this missense variant is not expected to disrupt PALB2 protein function with a negative predictive value of 80%. In summary, the available evidence is currently insufficient to determine the role of this variant in disease. Therefore, it has been classified as a Variant of Uncertain Significance.

Quest Diagnostics Nichols Institute San Juan Capistrano
Classification: Uncertain significance. Last evaluated: 2024-11-25. Review status: criteria provided, single submitter. Criteria: Quest Diagnostics criteria. Collection method: clinical testing. Allele origin: unknown.
Comment: The PALB2 c.995T>C (p.Leu332Pro) variant has been reported in the published literature in an individual with breast cancer (PMID: 35402282 (2022)). The frequency of this variant in the general population, 0.00012 (4/34434 chromosomes (Genome Aggregation Database)), is uninformative in the assessment of its pathogenicity. Analysis of this variant using bioinformatics tools for the prediction of the effect of amino acid changes on protein structure and function yielded conflicting predictions that this variant is benign or damaging. Based on the available information, we are unable to determine the clinical significance of this variant.

Ambry Genetics
Classification: Uncertain significance for Hereditary cancer-predisposing syndrome. Last evaluated: 2024-08-17. Review status: criteria provided, single submitter. Criteria: Ambry Variant Classification Scheme 2023. Collection method: clinical testing. Allele origin: germline.
Comment: The p.L332P variant (also known as c.995T>C), located in coding exon 4 of the PALB2 gene, results from a T to C substitution at nucleotide position 995. The leucine at codon 332 is replaced by proline, an amino acid with similar properties. This amino acid position is not well conserved in available vertebrate species. In addition, this alteration is predicted to be tolerated by in silico analysis. Since supporting evidence is limited at this time, the clinical significance of this alteration remains unclear.

Color Diagnostics, LLC DBA Color Health
Classification: Uncertain significance for Hereditary cancer-predisposing syndrome. Last evaluated: 2023-08-31. Review status: criteria provided, single submitter. Criteria: ACMG Guidelines, 2015. Collection method: clinical testing. Allele origin: germline.
Comment: This variant is located in the PALB2 protein. Computational prediction suggests that this variant may not impact protein structure and function (internally defined REVEL score threshold <= 0.5, PMID: 27666373). To our knowledge, functional studies have not been reported for this variant. This variant has not been reported in individuals affected with PALB2-related disorders in the literature. This variant has been identified in 5/250756 chromosomes in the general population by the Genome Aggregation Database (gnomAD). The available evidence is insufficient to determine the role of this variant in disease conclusively. Therefore, this variant is classified as a Variant of Uncertain Significance.

Literature cited by the submitters: PubMed 38061684 (cited by Labcorp Genetics (formerly Invitae), Labcorp); PubMed 35402282 (cited by Quest Diagnostics Nichols Institute San Juan Capistrano).